The following is an entry in ClinVar:

ClinVar aggregate classification (germline): Conflicting classifications of pathogenicity. Review status: criteria provided, conflicting classifications (1 of 4 stars). 6 submissions from 6 submitters: Uncertain significance (5); Likely benign (1). Last evaluated 2026-03-10.

Conditions:
Hereditary breast ovarian cancer syndrome. Also called: Hereditary breast and/or ovarian cancer syndrome; Hereditary breast and ovarian cancer syndrome; Hereditary breast and ovarian cancer; Hereditary breast and ovarian cancer syndrome (HBOC); Breast and ovarian cancer; BRCA1- and BRCA2-Associated Hereditary Breast and Ovarian Cancer. Identifiers: Orphanet 145, MedGen C0677776, MeSH D061325, MONDO:0003582. Disease mechanism: loss of function.
Hereditary cancer-predisposing syndrome. Also called: Tumor predisposition; Hereditary Cancer Syndrome; Neoplastic Syndromes, Hereditary; Hereditary neoplastic syndrome. Identifiers: Orphanet 140162, MedGen C0027672, MeSH D009386, MONDO:0015356.

Allele frequency attached by ClinVar (database versions not stated): gnomAD exomes below 0.00001; gnomAD 0.00001.
gnomAD v4.1: 3 of 1,607,068 alleles (0.00019%); highest among the groups gnomAD compares: Admixed American, 0.0034%; no homozygotes.

Submissions (6):

Ambry Genetics
Classification: Uncertain significance for Hereditary cancer-predisposing syndrome. Last evaluated: 2026-03-10. Review status: criteria provided, single submitter. Criteria: Ambry Variant Classification Scheme 2023. Collection method: clinical testing. Allele origin: germline.

Labcorp Genetics (formerly Invitae), Labcorp
Classification: Uncertain significance for Hereditary breast ovarian cancer syndrome. Last evaluated: 2025-12-28. Review status: criteria provided, single submitter. Criteria: Invitae Variant Classification Sherloc (09022015). Collection method: clinical testing. Allele origin: germline.
Comment: This sequence change replaces histidine, which is basic and polar, with tyrosine, which is neutral and polar, at codon 2090 of the BRCA2 protein (p.His2090Tyr). This variant is present in population databases (no rsID available, gnomAD 0.01%). This variant has not been reported in the literature in individuals affected with BRCA2-related conditions. ClinVar contains an entry for this variant (Variation ID: 495480). Invitae Evidence Modeling of protein sequence and biophysical properties (such as structural, functional, and spatial information, amino acid conservation, physicochemical variation, residue mobility, and thermodynamic stability) indicates that this missense variant is not expected to disrupt BRCA2 protein function with a negative predictive value of 95%. In summary, the available evidence is currently insufficient to determine the role of this variant in disease. Therefore, it has been classified as a Variant of Uncertain Significance.

GeneDx
Classification: Uncertain significance. Last evaluated: 2024-01-28. Review status: criteria provided, single submitter. Criteria: GeneDx Variant Classification Process June 2021. Collection method: clinical testing. Allele origin: germline. Affected: yes.
Comment: Has not been previously published as pathogenic or benign to our knowledge; Not observed at significant frequency in large population cohorts (gnomAD); In silico analysis supports that this missense variant does not alter protein structure/function; Also known as 6496C>T

University of Washington Department of Laboratory Medicine, University of Washington
Classification: Likely benign for Hereditary cancer-predisposing syndrome. Last evaluated: 2023-03-23. Review status: criteria provided, single submitter. Criteria: Dines et al. (Genet Med. 2020). Collection method: curation. Allele origin: germline.
Comment: Missense variant in a coldspot region where missense variants are very unlikely to be pathogenic (PMID:31911673).

BRCA2 exon 11 coldspot. Reclassification based on statistical prior probability.

Color Diagnostics, LLC DBA Color Health
Classification: Uncertain significance for Hereditary cancer-predisposing syndrome. Last evaluated: 2019-06-01. Review status: criteria provided, single submitter. Criteria: ACMG Guidelines, 2015. Collection method: clinical testing. Allele origin: germline.

Women's Health and Genetics/Laboratory Corporation of America, LabCorp
Classification: Uncertain significance. Last evaluated: 2016-01-14. Review status: criteria provided, single submitter. Criteria: LabCorp Variant Classification Summary - May 2015. Collection method: clinical testing. Allele origin: germline.

NM_000059.4(BRCA2):c.6268C>T (p.His2090Tyr)

Gene: BRCA2 (BRCA2 DNA repair associated; plus strand). Cytogenetic location: 13q13.1.
Variant type: single nucleotide variant.
Coding change: c.6268C>T on transcript NM_000059.4 (MANE Select); coding-DNA position 6268, C replaced by T.
Protein change: p.His2090Tyr; replaces histidine 2090 with tyrosine.
Molecular consequence: missense variant.
Genome position (GRCh38, 1-based): chr13:32,340,623, C>T. VCF-style: chr13-32340623-C-T. GRCh37 (hg19) VCF-style: chr13-32914760-C-T.
Other names: short protein forms H2090Y.
Identifiers: ClinVar variation 495480 (VCV000495480.17), dbSNP rs1405631299, ClinGen allele CA387788967.